The following is an entry in ClinVar:

NM_001386393.1(PANK2):c.767del (p.Pro256fs)

Gene: PANK2 (pantothenate kinase 2; plus strand). Cytogenetic location: 20p13.
Variant type: Deletion.
Coding change: c.767del on transcript NM_001386393.1 (MANE Select); coding-DNA position 767, one base deleted (C; older notation c.767delC).
Protein change: p.Pro256fs; shifts the reading frame from proline 256.
Molecular consequence: frameshift variant. On other transcripts: 5 prime UTR variant (1), non-coding transcript variant (1).
Genome position (GRCh38, 1-based): chr20:3,910,692, C deleted; the last of 3 consecutive C bases (chr20:3,910,690-3,910,692); deleting any one gives the same sequence. VCF-style (leftmost placement, unchanged base first): chr20-3910689-AC-A. GRCh37 (hg19) VCF-style: chr20-3891336-AC-A.
Other names: c.224del, p.Pro75fs (NM_001324191.2, NM_024960.6, NM_153640.4); c.-212del (NM_001324193.2); c.1097del, p.Pro366fs (NM_153638.4); short protein forms P75fs, P366fs, P256fs.
Identifiers: ClinVar variation 565372 (VCV000565372.9), dbSNP rs753400880, ClinGen allele CA9750766.

ClinVar aggregate classification (germline): Pathogenic (1 of 4 stars; one submission).

Conditions:
Pigmentary pallidal degeneration (NBIA1). Also called: Pantothenate Kinase-Associated Neurodegeneration; PKAN NEUROAXONAL DYSTROPHY, JUVENILE-ONSET; Neuroaxonal dystrophy, late infantile; Hallervorden-Spatz disease; HARP SYNDROME; Neurodegeneration with brain iron accumulation 1. Identifiers: Orphanet 157850, MedGen C0018523, MONDO:0009319, OMIM 234200.

Submission:

Labcorp Genetics (formerly Invitae), Labcorp
Classification: Pathogenic for Pigmentary pallidal degeneration. Last evaluated: 2023-11-20. Review status: criteria provided, single submitter. Criteria: Invitae Variant Classification Sherloc (09022015). Collection method: clinical testing. Allele origin: germline.
Comment: This sequence change creates a premature translational stop signal (p.Pro366Leufs*14) in the PANK2 gene. It is expected to result in an absent or disrupted protein product. Loss-of-function variants in PANK2 are known to be pathogenic (PMID: 11479594, 12510040). This variant is present in population databases (rs753400880, gnomAD 0.0009%). This premature translational stop signal has been observed in individual(s) with clinical features of PANK2-related conditions (PMID: 16023068). This variant is also known as c.767delC. ClinVar contains an entry for this variant (Variation ID: 565372). For these reasons, this variant has been classified as Pathogenic.

Literature cited by the submitters: PubMed 11479594; PubMed 12510040; PubMed 16023068.